The following is an entry in ClinVar:

NM_182961.4(SYNE1):c.948C>G (p.Asp316Glu)

Gene: SYNE1 (spectrin repeat containing nuclear envelope protein 1; minus strand). Cytogenetic location: 6q25.2.
Variant type: single nucleotide variant.
Coding change: c.948C>G on transcript NM_182961.4 (MANE Select); coding-DNA position 948, C replaced by G.
Protein change: p.Asp316Glu; replaces aspartic acid 316 with glutamic acid.
Molecular consequence: missense variant.
Genome position (GRCh38, 1-based): chr6:152,488,495, G>C on the plus strand (C>G on the coding strand, the complement: SYNE1 is on the minus strand). VCF-style: chr6-152488495-G-C. GRCh37 (hg19) VCF-style: chr6-152809630-G-C.
Other names: c.969C>G, p.Asp323Glu (NM_033071.5); short protein forms D316E, D323E.
Identifiers: ClinVar variation 3749648 (VCV003749648.2).

ClinVar aggregate classification (germline): Uncertain significance (1 of 4 stars; one submission).

Conditions:
Emery-Dreifuss muscular dystrophy 4, autosomal dominant (EDMD4). Also called: EMERY-DREIFUSS MUSCULAR DYSTROPHY 4 WITH VARIABLE FEATURES. Identifiers: Orphanet 261, MedGen C2751807, MONDO:0013071, OMIM 612998.
Autosomal recessive ataxia, Beauce type. Also called: Spinocerebellar ataxia, autosomal recessive 8; ATAXIA, RECESSIVE, OF BEAUCE; SYNE1-Related Autosomal Recessive Cerebellar Ataxia; SYNE1 Deficiency. Identifiers: Orphanet 88644, MedGen C1853116, MONDO:0012549, OMIM 610743.

gnomAD v4.1: 1 of 1,570,130 alleles (0.000064%); highest among the groups gnomAD compares: African/African-American, 0.0014%; no homozygotes.

Submission:

Labcorp Genetics (formerly Invitae), Labcorp
Classification: Uncertain significance for Emery-Dreifuss muscular dystrophy 4, autosomal dominant; Autosomal recessive ataxia, Beauce type. Last evaluated: 2024-02-04. Review status: criteria provided, single submitter. Criteria: Invitae Variant Classification Sherloc (09022015). Collection method: clinical testing. Allele origin: germline.
Comment: This sequence change replaces aspartic acid, which is acidic and polar, with glutamic acid, which is acidic and polar, at codon 323 of the SYNE1 protein (p.Asp323Glu). This variant is not present in population databases (gnomAD no frequency). This variant has not been reported in the literature in individuals affected with SYNE1-related conditions. Algorithms developed to predict the effect of missense changes on protein structure and function output the following: SIFT: "Not Available"; PolyPhen-2: "Benign"; Align-GVGD: "Not Available". The glutamic acid amino acid residue is found in multiple mammalian species, which suggests that this missense change does not adversely affect protein function. In summary, the available evidence is currently insufficient to determine the role of this variant in disease. Therefore, it has been classified as a Variant of Uncertain Significance.